The following is an entry in ClinVar:

Conditions:
Breast-ovarian cancer, familial, susceptibility to, 1 (BROVCA1). Also called: BRCA1 Hereditary Breast and Ovarian Cancer; OVARIAN CANCER, SUSCEPTIBILITY TO. Identifiers: Orphanet 145, MedGen C2676676, MONDO:0011450, OMIM 604370. Disease mechanism: loss of function.

Submission:

Brotman Baty Institute, University of Washington
No classification provided (evidence only). Condition: Breast-ovarian cancer, familial 1. Review status: no classification provided. Collection method: in vitro. Allele origin: not applicable. Functional consequence: functionally_normal.
ClinVar note: "not provided" was previously submitted as the classification for the variant. However, the classification appeared to be based only on an observation of functional data so it was converted to no classification on 2025-07-30.

NM_007294.4(BRCA1):c.5149T>C (p.Phe1717Leu)

Gene: BRCA1 (BRCA1 DNA repair associated; minus strand). Cytogenetic location: 17q21.31.
Variant type: single nucleotide variant.
Coding change: c.5149T>C on transcript NM_007294.4 (MANE Select); coding-DNA position 5149, T replaced by C.
Protein change: p.Phe1717Leu; replaces phenylalanine 1717 with leucine.
Molecular consequence: missense variant. On other transcripts: non-coding transcript variant (1).
Genome position (GRCh38, 1-based): chr17:43,063,877, A>G on the plus strand (T>C on the coding strand, the complement: BRCA1 is on the minus strand). VCF-style: chr17-43063877-A-G. GRCh37 (hg19) VCF-style: chr17-41215894-A-G.
Other names: c.4936T>C, p.Phe1646Leu (NM_001407571.1, NM_001407900.1, NM_001407902.1 and 12 more transcripts); c.5215T>C, p.Phe1739Leu (NM_001407581.1, NM_001407582.1); c.5212T>C, p.Phe1738Leu (NM_001407583.1, NM_001407585.1, NM_001407587.1 and 1 more transcripts); c.5209T>C, p.Phe1737Leu (NM_001407590.1, NM_001407591.1); c.5149T>C, p.Phe1717Leu (NM_001407593.1, NM_001407594.1, NM_001407596.1 and 7 more transcripts); c.5146T>C, p.Phe1716Leu (NM_001407610.1, NM_001407611.1, NM_001407612.1 and 17 more transcripts); c.5143T>C, p.Phe1715Leu (NM_001407627.1, NM_001407628.1, NM_001407629.1 and 14 more transcripts); c.5134T>C, p.Phe1712Leu (NM_001407647.1); and 71 more; short protein forms F1670L, F1717L, F613L, F1738L, F1563L, F1590L, F1646L, F1669L.
Identifiers: ClinVar variation 868714 (VCV000868714.3), dbSNP rs2051907296, ClinGen allele CA10591250.